The following is an entry in ClinVar:

NM_001271.4(CHD2):c.3981G>T (p.Lys1327Asn)

Gene: CHD2 (chromodomain helicase DNA binding protein 2; plus strand). Cytogenetic location: 15q26.1.
Variant type: single nucleotide variant.
Coding change: c.3981G>T on transcript NM_001271.4 (MANE Select); coding-DNA position 3981, G replaced by T.
Protein change: p.Lys1327Asn; replaces lysine 1327 with asparagine.
Molecular consequence: missense variant.
Genome position (GRCh38, 1-based): chr15:92,998,594, G>T. VCF-style: chr15-92998594-G-T. GRCh37 (hg19) VCF-style: chr15-93541824-G-T.
Other names: short protein forms K1327N.
Identifiers: ClinVar variation 1965370 (VCV001965370.5), dbSNP rs1477515958, ClinGen allele CA393899792.

ClinVar aggregate classification (germline): Uncertain significance (1 of 4 stars; one submission).

Conditions:
Developmental and epileptic encephalopathy 94 (DEE94). Also called: CHD2-Related Neurodevelopmental Disorders; Epileptic encephalopathy, childhood-onset. Identifiers: Orphanet 1942, Orphanet 2382, MedGen C3809278, MONDO:0014150, OMIM 615369.

Submission:

Labcorp Genetics (formerly Invitae), Labcorp
Classification: Uncertain significance for Developmental and epileptic encephalopathy 94. Last evaluated: 2022-04-18. Review status: criteria provided, single submitter. Criteria: Invitae Variant Classification Sherloc (09022015). Collection method: clinical testing. Allele origin: germline.
Comment: This sequence change replaces lysine, which is basic and polar, with asparagine, which is neutral and polar, at codon 1327 of the CHD2 protein (p.Lys1327Asn). In summary, the available evidence is currently insufficient to determine the role of this variant in disease. Therefore, it has been classified as a Variant of Uncertain Significance. Advanced modeling of protein sequence and biophysical properties (such as structural, functional, and spatial information, amino acid conservation, physicochemical variation, residue mobility, and thermodynamic stability) performed at Invitae indicates that this missense variant is not expected to disrupt CHD2 protein function. This variant has not been reported in the literature in individuals affected with CHD2-related conditions. This variant is not present in population databases (gnomAD no frequency).